The following is an entry in ClinVar:

NM_001365951.3(KIF1B):c.3065A>C (p.Tyr1022Ser)

Gene: KIF1B (kinesin family member 1B; plus strand). Cytogenetic location: 1p36.22.
Variant type: single nucleotide variant.
Coding change: c.3065A>C on transcript NM_001365951.3 (MANE Select); coding-DNA position 3065, A replaced by C.
Protein change: p.Tyr1022Ser; replaces tyrosine 1022 with serine.
Molecular consequence: missense variant.
Genome position (GRCh38, 1-based): chr1:10,336,678, A>C. VCF-style: chr1-10336678-A-C. GRCh37 (hg19) VCF-style: chr1-10396736-A-C.
Other names: c.3065A>C, p.Tyr1022Ser (NM_001365952.1); c.2927A>C, p.Tyr976Ser (NM_015074.3); short protein forms Y1022S, Y976S.
Identifiers: ClinVar variation 3534040 (VCV003534040.1).

ClinVar aggregate classification (germline): Uncertain significance (1 of 4 stars; one submission).

gnomAD v4.1: 1 of 1,613,980 alleles (0.000062%); highest among the groups gnomAD compares: Non-Finnish European, 0.000085%; no homozygotes.

Submission:

Ambry Genetics
Classification: Uncertain significance. Last evaluated: 2024-10-08. Review status: criteria provided, single submitter. Criteria: Ambry Variant Classification Scheme 2023. Collection method: clinical testing. Allele origin: germline.
Comment: The p.Y976S variant (also known as c.2927A>C), located in coding exon 26 of the KIF1B gene, results from an A to C substitution at nucleotide position 2927. The tyrosine at codon 976 is replaced by serine, an amino acid with dissimilar properties. This amino acid position is conserved. In addition, this alteration is predicted to be deleterious by in silico analysis. Based on the available evidence, the clinical significance of this variant remains unclear.